The following is an entry in ClinVar:

NM_000143.4(FH):c.1236+1G>C

Gene: FH (fumarate hydratase; minus strand). Cytogenetic location: 1q43.
Variant type: single nucleotide variant.
Coding change: c.1236+1G>C on transcript NM_000143.4 (MANE Select); the canonical splice donor site of the intron after coding-DNA position 1236, G replaced by C.
Molecular consequence: splice donor variant.
Genome position (GRCh38, 1-based): chr1:241,502,442, C>G on the plus strand (G>C on the coding strand, the complement: FH is on the minus strand). VCF-style: chr1-241502442-C-G. GRCh37 (hg19) VCF-style: chr1-241665742-C-G.
Identifiers: ClinVar variation 429188 (VCV000429188.17), dbSNP rs1131691249, ClinGen allele CA345437205.

ClinVar aggregate classification (germline): Pathogenic. Review status: criteria provided, multiple submitters, no conflicts (2 of 4 stars). 3 submissions from 3 submitters: Pathogenic (3). Last evaluated 2024-07-11.

Conditions:
Hereditary cancer-predisposing syndrome. Also called: Hereditary Cancer Syndrome; Neoplastic Syndromes, Hereditary; Hereditary neoplastic syndrome; Tumor predisposition. Identifiers: Orphanet 140162, MedGen C0027672, MeSH D009386, MONDO:0015356.

Submissions (3):

Labcorp Genetics (formerly Invitae), Labcorp
Classification: Pathogenic. Last evaluated: 2024-07-11. Review status: criteria provided, single submitter. Criteria: Invitae Variant Classification Sherloc (09022015). Collection method: clinical testing. Allele origin: germline.
Comment: This sequence change affects a donor splice site in intron 8 of the FH gene. It is expected to disrupt RNA splicing. Variants that disrupt the donor or acceptor splice site typically lead to a loss of protein function (PMID: 16199547), and loss-of-function variants in FH are known to be pathogenic (PMID: 11865300, 21398687). This variant is not present in population databases (gnomAD no frequency). Disruption of this splice site has been observed in individuals with clinical features of hereditary leiomyomatosis and renal cell cancer (Invitae). ClinVar contains an entry for this variant (Variation ID: 429188). Algorithms developed to predict the effect of sequence changes on RNA splicing suggest that this variant may disrupt the consensus splice site. For these reasons, this variant has been classified as Pathogenic.

Quest Diagnostics Nichols Institute San Juan Capistrano
Classification: Pathogenic. Last evaluated: 2024-01-19. Review status: criteria provided, single submitter. Criteria: Quest Diagnostics criteria. Collection method: clinical testing. Allele origin: unknown.
Comment: The FH c.1236+1G>C variant disrupts a canonical splice-donor site and interferes with normal FH mRNA splicing. This variant has not been reported in individuals with FH-related conditions in the published literature. This variant has not been reported in large, multi-ethnic general populations (Genome Aggregation Database). Based on the available information, this variant is classified as pathogenic.

Ambry Genetics
Classification: Pathogenic for Hereditary cancer-predisposing syndrome. Last evaluated: 2022-10-12. Review status: criteria provided, single submitter. Criteria: Ambry Variant Classification Scheme 2023. Collection method: clinical testing. Allele origin: germline.
Comment: The c.1236+1G>C intronic pathogenic mutation results from a G to C substitution one nucleotide after coding exon 8 of the FH gene. This variant is considered to be rare based on population cohorts in the Genome Aggregation Database (gnomAD). In silico splice site analysis predicts that this alteration will weaken the native splice donor site. Alterations that disrupt the canonical splice site are expected to cause aberrant splicing, resulting in an abnormal protein or a transcript that is subject to nonsense-mediated mRNA decay. As such, this alteration is classified as pathogenic.

Literature cited by the submitters: PubMed 16199547 (cited by Labcorp Genetics (formerly Invitae), Labcorp); PubMed 11865300 (cited by Labcorp Genetics (formerly Invitae), Labcorp); PubMed 21398687 (cited by Labcorp Genetics (formerly Invitae), Labcorp).